The following is an entry in ClinVar:

ClinVar aggregate classification (germline): Likely pathogenic (1 of 4 stars; one submission).

Conditions:
PIK3CA related overgrowth syndrome. Also called: PIK3CA related overgrowth spectrum; PIK3CA-Related Segmental Overgrowth. Identifiers: Orphanet 530313, MedGen C4728213, MONDO:1040002.

Submission:

Clinical Genomics Laboratory, Washington University in St. Louis
Classification: Likely pathogenic for PIK3CA related overgrowth syndrome. Last evaluated: 2026-04-20. Review status: criteria provided, single submitter. Criteria: Leon-Quintero et al. (Clin Genet. 2025). Collection method: clinical testing. Allele origin: somatic. Affected: yes.
Comment: A PIK3CA c.3062A>T (p.Tyr1021Phe) variant was identified at an allelic fraction consistent with somatic origin. This variant has been identified in the literature and in COSMIC in a somatic state in various types of cancer (Boger C et al., PMID: 28453696; Guo F et al., PMID: 29666387; Chen J et al., PMID: 25367198; Genomic Mutation ID: COSV55997924) but to our knowledge has not been reported in overgrowth or vascular anomalies. It is absent from the general population (gnomAD v4.1.1), indicating it is not a common variant. This variant resides within a region, the kinase domain, of PIK3CA that is defined as a critical functional domain (Lai A et al. PMID: 35997716). Other variants in the same codon, (p.Y1021C and p.Y1021H), have been reported in PROS disorders and are considered pathogenic (Kuentz P et al., PMID:28151489; Mirzaa G et al., PMID: 27631024; Riviere J-B et al. PMID: 22729224; Gripp KW et al., PMID: 27191687; McNulty SN et al., PMID: 31585106, ClinVar Variation IDs: 376246 and 1691391). The PIK3CA gene is defined by the ClinGen Brain Malformations Variant Curation expert panel as a gene that has a low rate of benign missense variation and where pathogenic missense variants are a common mechanism of disease. Based on available information and an internally developed protocol informed by the ACMG/AMP guidelines for variant interpretation and gene-specific practices from the ClinGen Criteria Specification Registry (Leon-Quintero FZ et al., PMID: 39434542), the PIK3CA c.3062A>T (p.Tyr1021Phe) variant is classified as likely pathogenic.

NM_006218.4(PIK3CA):c.3062A>T (p.Tyr1021Phe)

Gene: PIK3CA (phosphatidylinositol-4,5-bisphosphate 3-kinase catalytic subunit alpha; plus strand). Cytogenetic location: 3q26.32.
Variant type: single nucleotide variant.
Coding change: c.3062A>T on transcript NM_006218.4 (MANE Select); coding-DNA position 3062, A replaced by T.
Protein change: p.Tyr1021Phe; replaces tyrosine 1021 with phenylalanine.
Molecular consequence: missense variant.
Genome position (GRCh38, 1-based): chr3:179,234,219, A>T. VCF-style: chr3-179234219-A-T. GRCh37 (hg19) VCF-style: chr3-178952007-A-T.
Other names: short protein forms Y1021F.
Identifiers: ClinVar variation 4974581 (VCV004974581.1).